The following is an entry in ClinVar:

NM_013254.4(TBK1):c.2035A>G (p.Ser679Gly)

Gene: TBK1 (TANK binding kinase 1; plus strand). Cytogenetic location: 12q14.2.
Variant type: single nucleotide variant.
Coding change: c.2035A>G on transcript NM_013254.4 (MANE Select); coding-DNA position 2035, A replaced by G.
Protein change: p.Ser679Gly; replaces serine 679 with glycine.
Molecular consequence: missense variant.
Genome position (GRCh38, 1-based): chr12:64,497,723, A>G. VCF-style: chr12-64497723-A-G. GRCh37 (hg19) VCF-style: chr12-64891503-A-G.
Other names: short protein forms S679G.
Identifiers: ClinVar variation 1416794 (VCV001416794.8), dbSNP rs2136089009, ClinGen allele CA385607092.

ClinVar aggregate classification (germline): Uncertain significance (1 of 4 stars; one submission).

Conditions:
Frontotemporal dementia and/or amyotrophic lateral sclerosis 4. Also called: FTDALS4. Identifiers: Orphanet 275872, MedGen C4225325, MONDO:0014641, OMIM 616439.

Submission:

Labcorp Genetics (formerly Invitae), Labcorp
Classification: Uncertain significance for Frontotemporal dementia and/or amyotrophic lateral sclerosis 4. Last evaluated: 2020-12-04. Review status: criteria provided, single submitter. Criteria: Invitae Variant Classification Sherloc (09022015). Collection method: clinical testing. Allele origin: germline.
Comment: This sequence change replaces serine with glycine at codon 679 of the TBK1 protein (p.Ser679Gly). The serine residue is highly conserved and there is a small physicochemical difference between serine and glycine. This variant is not present in population databases (ExAC no frequency). In summary, the available evidence is currently insufficient to determine the role of this variant in disease. Therefore, it has been classified as a Variant of Uncertain Significance. Algorithms developed to predict the effect of sequence changes on RNA splicing suggest that this variant may create or strengthen a splice site, but this prediction has not been confirmed by published transcriptional studies. Advanced modeling of protein sequence and biophysical properties (such as structural, functional, and spatial information, amino acid conservation, physicochemical variation, residue mobility, and thermodynamic stability) performed at Invitae indicates that this missense variant is not expected to disrupt TBK1 protein function. This variant has not been reported in the literature in individuals with TBK1-related conditions.